The following is an entry in ClinVar:

ClinVar aggregate classification (germline): Uncertain significance (1 of 4 stars; one submission).

Conditions:
Generalized epilepsy with febrile seizures plus, type 7 (GEFSP7). Also called: GEFS+, TYPE 7. Identifiers: Orphanet 36387, MedGen C2751778, MONDO:0013470, OMIM 613863.
Neuropathy, hereditary sensory and autonomic, type 2A (HSAN2A). Also called: HSAN IIA; ACROOSTEOLYSIS, GIACCAI TYPE; ACROOSTEOLYSIS, NEUROGENIC; MORVAN DISEASE; NEUROPATHY, CONGENITAL SENSORY; NEUROPATHY, HEREDITARY SENSORY RADICULAR, AUTOSOMAL RECESSIVE. Identifiers: Orphanet 970, MedGen C2752089, MONDO:0024309, OMIM 201300.

Allele frequency attached by ClinVar (database versions not stated): gnomAD exomes below 0.00001.
gnomAD v4.1: 1 of 1,613,956 alleles (0.000062%); highest among the groups gnomAD compares: Non-Finnish European, 0.000085%; no homozygotes.

Submission:

Labcorp Genetics (formerly Invitae), Labcorp
Classification: Uncertain significance for Neuropathy, hereditary sensory and autonomic, type 2A; Generalized epilepsy with febrile seizures plus, type 7. Last evaluated: 2018-10-22. Review status: criteria provided, single submitter. Criteria: Invitae Variant Classification Sherloc (09022015). Collection method: clinical testing. Allele origin: germline.
Comment: This variant has not been reported in the literature in individuals with SCN9A-related disease. In summary, the available evidence is currently insufficient to determine the role of this variant in disease. Therefore, it has been classified as a Variant of Uncertain Significance. Algorithms developed to predict the effect of missense changes on protein structure and function are either unavailable or do not agree on the potential impact of this missense change (SIFT: "Tolerated"; PolyPhen-2: "Possibly Damaging"; Align-GVGD: "Class C0"). This variant is not present in population databases (ExAC no frequency). This sequence change replaces lysine with glutamic acid at codon 502 of the SCN9A protein (p.Lys502Glu). The lysine residue is highly conserved and there is a small physicochemical difference between lysine and glutamic acid.

NM_001365536.1(SCN9A):c.1504A>G (p.Lys502Glu)

Genes: SCN9A (sodium voltage-gated channel alpha subunit 9; minus strand), SCN1A-AS1 (SCN1A and SCN9A antisense RNA 1; plus strand). Cytogenetic location: 2q24.3.
Variant type: single nucleotide variant.
Coding change: c.1504A>G on transcript NM_001365536.1 (MANE Select); coding-DNA position 1504, A replaced by G.
Protein change: p.Lys502Glu; replaces lysine 502 with glutamic acid.
Molecular consequence: missense variant.
Genome position (GRCh38, 1-based): chr2:166,286,434, T>C on the plus strand (A>G on the coding strand, the complement: SCN9A is on the minus strand). VCF-style: chr2-166286434-T-C. GRCh37 (hg19) VCF-style: chr2-167142944-T-C.
Other names: c.1504A>G, p.Lys502Glu (NM_002977.4); short protein forms K502E.
Identifiers: ClinVar variation 642671 (VCV000642671.9), dbSNP rs1553490349, ClinGen allele CA349084593.